The following is an entry in ClinVar:

ClinVar aggregate classification (germline): Uncertain significance (1 of 4 stars; one submission).

Conditions:
Familial episodic pain syndrome with predominantly lower limb involvement. Also called: Episodic pain syndrome, familial, 3. Identifiers: Orphanet 391384, Orphanet 391392, MedGen C3809899, MONDO:0014247, OMIM 615552.
Hereditary sensory and autonomic neuropathy type 7. Also called: HSAN VII; Neuropathy, hereditary sensory and autonomic, type VII. Identifiers: Orphanet 391397, MedGen C3809882, MONDO:0014244, OMIM 615548.

Submission:

Labcorp Genetics (formerly Invitae), Labcorp
Classification: Uncertain significance for Familial episodic pain syndrome with predominantly lower limb involvement; Hereditary sensory and autonomic neuropathy type 7. Last evaluated: 2023-06-05. Review status: criteria provided, single submitter. Criteria: Invitae Variant Classification Sherloc (09022015). Collection method: clinical testing. Allele origin: germline.
Comment: In summary, the available evidence is currently insufficient to determine the role of this variant in disease. Therefore, it has been classified as a Variant of Uncertain Significance. This sequence change replaces methionine, which is neutral and non-polar, with isoleucine, which is neutral and non-polar, at codon 420 of the SCN11A protein (p.Met420Ile). This variant is not present in population databases (gnomAD no frequency). This variant has not been reported in the literature in individuals affected with SCN11A-related conditions. Advanced modeling of protein sequence and biophysical properties (such as structural, functional, and spatial information, amino acid conservation, physicochemical variation, residue mobility, and thermodynamic stability) has been performed at Invitae for this missense variant, however the output from this modeling did not meet the statistical confidence thresholds required to predict the impact of this variant on SCN11A protein function.

NM_001349253.2(SCN11A):c.1260G>T (p.Met420Ile)

Gene: SCN11A (sodium voltage-gated channel alpha subunit 11; minus strand). Cytogenetic location: 3p22.2.
Variant type: single nucleotide variant.
Coding change: c.1260G>T on transcript NM_001349253.2 (MANE Select); coding-DNA position 1260, G replaced by T.
Protein change: p.Met420Ile; replaces methionine 420 with isoleucine.
Molecular consequence: missense variant.
Genome position (GRCh38, 1-based): chr3:38,909,036, C>A on the plus strand (G>T on the coding strand, the complement: SCN11A is on the minus strand). VCF-style: chr3-38909036-C-A. GRCh37 (hg19) VCF-style: chr3-38950527-C-A.
Other names: c.1260G>T, p.Met420Ile (NM_014139.3); short protein forms M420I.
Identifiers: ClinVar variation 2937126 (VCV002937126.3), dbSNP rs1414073477, ClinGen allele CA352167859.